The following is an entry in ClinVar:

ClinVar aggregate classification (germline): Uncertain significance (1 of 4 stars; one submission).

Conditions:
X-linked distal spinal muscular atrophy type 3. Also called: SPINAL MUSCULAR ATROPHY, DISTAL, X-LINKED RECESSIVE; NEURONOPATHY, DISTAL HEREDITARY MOTOR, X-LINKED; NEUROPATHY, DISTAL HEREDITARY MOTOR, X-LINKED; ATP7A-Related Distal Motor Neuropathy. Identifiers: Orphanet 139557, MedGen C1845359, MONDO:0010338, OMIM 300489.
Menkes kinky-hair syndrome (MNK). Also called: Copper transport disease; Classic Menkes Disease; Menkes Disease. Identifiers: Orphanet 565, MedGen C0022716, MONDO:0010651, OMIM 309400.
Cutis laxa, X-linked (OHS). Also called: EDS IX; Occipital horn syndrome. Identifiers: Orphanet 198, MedGen C0268353, MONDO:0010572, OMIM 304150.

Submission:

Labcorp Genetics (formerly Invitae), Labcorp
Classification: Uncertain significance for X-linked distal spinal muscular atrophy type 3; Cutis laxa, X-linked; Menkes kinky-hair syndrome. Last evaluated: 2025-03-03. Review status: criteria provided, single submitter. Criteria: Invitae Variant Classification Sherloc (09022015). Collection method: clinical testing. Allele origin: germline.
Comment: This sequence change replaces valine, which is neutral and non-polar, with leucine, which is neutral and non-polar, at codon 1113 of the ATP7A protein (p.Val1113Leu). This variant is not present in population databases (gnomAD no frequency). This variant has not been reported in the literature in individuals affected with ATP7A-related conditions. ClinVar contains an entry for this variant (Variation ID: 1717406). Invitae Evidence Modeling of protein sequence and biophysical properties (such as structural, functional, and spatial information, amino acid conservation, physicochemical variation, residue mobility, and thermodynamic stability) indicates that this missense variant is not expected to disrupt ATP7A protein function with a negative predictive value of 95%. In summary, the available evidence is currently insufficient to determine the role of this variant in disease. Therefore, it has been classified as a Variant of Uncertain Significance.

NM_000052.7(ATP7A):c.3337G>C (p.Val1113Leu)

Gene: ATP7A (ATPase copper transporting alpha; plus strand). Cytogenetic location: Xq21.1.
Variant type: single nucleotide variant.
Coding change: c.3337G>C on transcript NM_000052.7 (MANE Select); coding-DNA position 3337, G replaced by C.
Protein change: p.Val1113Leu; replaces valine 1113 with leucine.
Molecular consequence: missense variant. On other transcripts: non-coding transcript variant (1).
Genome position (GRCh38, 1-based): chrX:78,033,647, G>C. VCF-style: chrX-78033647-G-C. GRCh37 (hg19) VCF-style: chrX-77289145-G-C.
Other names: c.3103G>C, p.Val1035Leu (NM_001282224.2); short protein forms V1035L, V1113L.
Identifiers: ClinVar variation 1717406 (VCV001717406.6), dbSNP rs879254006, ClinGen allele CA413603934.